The following is an entry in ClinVar:

NM_006206.6(PDGFRA):c.1564C>T (p.Arg522Cys)

Gene: PDGFRA (platelet derived growth factor receptor alpha; plus strand). Cytogenetic location: 4q12.
Variant type: single nucleotide variant.
Coding change: c.1564C>T on transcript NM_006206.6 (MANE Select); coding-DNA position 1564, C replaced by T.
Protein change: p.Arg522Cys; replaces arginine 522 with cysteine.
Molecular consequence: missense variant.
Genome position (GRCh38, 1-based): chr4:54,274,536, C>T. VCF-style: chr4-54274536-C-T. GRCh37 (hg19) VCF-style: chr4-55140703-C-T.
Other names: c.1564C>T, p.Arg522Cys (NM_001347827.2, NM_001347829.2); c.1639C>T, p.Arg547Cys (NM_001347828.2); c.1603C>T, p.Arg535Cys (NM_001347830.2); c.1564C>T (NM_006206.4); short protein forms R522C, R547C, R535C.
Identifiers: ClinVar variation 1355495 (VCV001355495.7), dbSNP rs974033003, ClinGen allele CA96859446.
Genomic context (GRCh38, chr4:54,274,536, plus strand): 5'-CCTGTGCATGTCTGCCAGGAAACTTTTCATTGTGCCTCTCTCTCTTGTCACGTAGCCCTG[C>T]GTTCTGAACTCACGGTGGCTGCTGCAGTCCTGGTGCTGTTGGTGATTGTGATCATCTCAC-3'
Protein context (NP_006197.1, residues 512-532): RELKLVAPTL[Arg522Cys]SELTVAAAVL

ClinVar aggregate classification (germline): Uncertain significance. Review status: criteria provided, multiple submitters, no conflicts (2 of 4 stars). 2 submissions from 2 submitters: Uncertain significance (2). Last evaluated 2026-08-20.

Conditions:
Hereditary cancer-predisposing syndrome. Also called: Hereditary Cancer Syndrome; Neoplastic Syndromes, Hereditary; Hereditary neoplastic syndrome; Tumor predisposition. Identifiers: Orphanet 140162, MedGen C0027672, MeSH D009386, MONDO:0015356.
Gastrointestinal stromal tumor. Also called: Gastrointestinal stromal tumor, somatic; Gastrointestinal stroma tumor. Identifiers: Orphanet 44890, MedGen C0238198, MeSH D046152, MONDO:0011719, OMIM 606764, HP:0100723.

Allele frequency attached by ClinVar (database versions not stated): TOPMed 0.00001; gnomAD 0.00001.
gnomAD v4.1: 7 of 1,611,502 alleles (0.00043%); highest among the groups gnomAD compares: South Asian, 0.0011%; no homozygotes.

Submissions (2):

Ambry Genetics
Classification: Uncertain significance for Hereditary cancer-predisposing syndrome. Last evaluated: 2026-08-20. Review status: criteria provided, single submitter. Criteria: Ambry Variant Classification Scheme 2023. Collection method: clinical testing. Allele origin: germline.
Comment: The p.R522C variant (also known as c.1564C>T), located in coding exon 10 of the PDGFRA gene, results from a C to T substitution at nucleotide position 1564. The arginine at codon 522 is replaced by cysteine, an amino acid with highly dissimilar properties. This amino acid position is not well conserved in available vertebrate species. In addition, this alteration is predicted to be tolerated by in silico analysis. Based on the available evidence, the clinical significance of this variant remains unclear.

Labcorp Genetics (formerly Invitae), Labcorp
Classification: Uncertain significance for Gastrointestinal stromal tumor. Last evaluated: 2025-11-09. Review status: criteria provided, single submitter. Criteria: Invitae Variant Classification Sherloc (09022015). Collection method: clinical testing. Allele origin: germline.
Comment: This sequence change replaces arginine, which is basic and polar, with cysteine, which is neutral and slightly polar, at codon 522 of the PDGFRA protein (p.Arg522Cys). This variant is not present in population databases (gnomAD no frequency). This variant has not been reported in the literature in individuals affected with PDGFRA-related conditions. ClinVar contains an entry for this variant (Variation ID: 1355495). Invitae Evidence Modeling of protein sequence and biophysical properties (such as structural, functional, and spatial information, amino acid conservation, physicochemical variation, residue mobility, and thermodynamic stability) indicates that this missense variant is not expected to disrupt PDGFRA protein function with a negative predictive value of 80%. In summary, the available evidence is currently insufficient to determine the role of this variant in disease. Therefore, it has been classified as a Variant of Uncertain Significance.